The following is an entry in ClinVar:

ClinVar aggregate classification (germline): Uncertain significance. Review status: criteria provided, multiple submitters, no conflicts (2 of 4 stars). 2 submissions from 2 submitters: Uncertain significance (2). Last evaluated 2025-04-02.

Conditions:
Joubert syndrome 18 (JBTS18). Identifiers: Orphanet 2754, MedGen C3553758, MONDO:0013896, OMIM 614815.
Orofacial-digital syndrome IV (OFD4). Also called: Orofaciodigital syndrome IV; BARAITSER-BURN SYNDROME; MOHR-MAJEWSKI SYNDROME; OFD SYNDROME WITH TIBIAL DEFECTS; OFD SYNDROME, BARAITSER-BURN TYPE; OFDS IV. Identifiers: Orphanet 2753, MedGen C0406727, MONDO:0009794, OMIM 258860.
Inborn genetic diseases. Identifiers: MedGen C0950123, MeSH D030342.

Allele frequency attached by ClinVar (database versions not stated): gnomAD 0.00001; ExAC 0.00002; gnomAD exomes 0.00002 and 0.00006; ESP Exome Variant Server 0.00008.

Submissions (2):

Ambry Genetics
Classification: Uncertain significance for Inborn genetic diseases. Last evaluated: 2025-04-02. Review status: criteria provided, single submitter. Criteria: Ambry Variant Classification Scheme 2023. Collection method: clinical testing. Allele origin: germline.

Labcorp Genetics (formerly Invitae), Labcorp
Classification: Uncertain significance for Joubert syndrome 18; Orofacial-digital syndrome IV. Last evaluated: 2022-02-19. Review status: criteria provided, single submitter. Criteria: Invitae Variant Classification Sherloc (09022015). Collection method: clinical testing. Allele origin: germline.
Comment: This sequence change replaces glutamine, which is neutral and polar, with histidine, which is basic and polar, at codon 293 of the TCTN3 protein (p.Gln293His). This variant is present in population databases (rs147928670, gnomAD 0.005%). This variant has not been reported in the literature in individuals affected with TCTN3-related conditions. Algorithms developed to predict the effect of missense changes on protein structure and function output the following: SIFT: "Tolerated"; PolyPhen-2: "Possibly Damaging"; Align-GVGD: "Class C0". The histidine amino acid residue is found in multiple mammalian species, which suggests that this missense change does not adversely affect protein function. In summary, the available evidence is currently insufficient to determine the role of this variant in disease. Therefore, it has been classified as a Variant of Uncertain Significance.

NM_015631.6(TCTN3):c.879G>C (p.Gln293His)

Gene: TCTN3 (tectonic family member 3; minus strand). Cytogenetic location: 10q24.1.
Variant type: single nucleotide variant.
Coding change: c.879G>C on transcript NM_015631.6 (MANE Select); coding-DNA position 879, G replaced by C.
Protein change: p.Gln293His; replaces glutamine 293 with histidine.
Molecular consequence: missense variant.
Genome position (GRCh38, 1-based): chr10:95,686,504, C>G on the plus strand (G>C on the coding strand, the complement: TCTN3 is on the minus strand). VCF-style: chr10-95686504-C-G. GRCh37 (hg19) VCF-style: chr10-97446261-C-G.
Other names: c.879G>C (NM_015631.5); c.642G>C, p.Gln214His (NM_001143973.2); short protein forms Q293H, Q214H.
Identifiers: ClinVar variation 1450015 (VCV001450015.4), dbSNP rs147928670, ClinGen allele CA5621033.